The following is an entry in ClinVar:

NM_001184.4(ATR):c.773T>G (p.Leu258Arg)

Gene: ATR (ATR checkpoint kinase; minus strand). Cytogenetic location: 3q23.
Variant type: single nucleotide variant.
Coding change: c.773T>G on transcript NM_001184.4 (MANE Select); coding-DNA position 773, T replaced by G.
Protein change: p.Leu258Arg; replaces leucine 258 with arginine.
Molecular consequence: missense variant.
Genome position (GRCh38, 1-based): chr3:142,562,629, A>C on the plus strand (T>G on the coding strand, the complement: ATR is on the minus strand). VCF-style: chr3-142562629-A-C. GRCh37 (hg19) VCF-style: chr3-142281471-A-C.
Other names: c.773T>G, p.Leu258Arg (NM_001354579.2); short protein forms L258R.
Identifiers: ClinVar variation 3221297 (VCV003221297.1), dbSNP rs2473427565, ClinGen allele CA354825566.

ClinVar aggregate classification (germline): Uncertain significance (1 of 4 stars; one submission).

Conditions:
Inborn genetic diseases. Identifiers: MedGen C0950123, MeSH D030342.

Allele frequency attached by ClinVar (database versions not stated): gnomAD exomes below 0.00001.
gnomAD v4.1: 1 of 1,614,106 alleles (0.000062%); highest among the groups gnomAD compares: African/African-American, 0.0013%; no homozygotes.

Submission:

Ambry Genetics
Classification: Uncertain significance for Inborn genetic diseases. Last evaluated: 2023-10-26. Review status: criteria provided, single submitter. Criteria: Ambry Variant Classification Scheme 2023. Collection method: clinical testing. Allele origin: germline.
Comment: The p.L258R variant (also known as c.773T>G), located in coding exon 4 of the ATR gene, results from a T to G substitution at nucleotide position 773. The leucine at codon 258 is replaced by arginine, an amino acid with dissimilar properties. This amino acid position is conserved. In addition, this alteration is predicted to be deleterious by in silico analysis. Since supporting evidence is limited at this time, the clinical significance of this alteration remains unclear.